The following is an entry in ClinVar:

ClinVar aggregate classification (germline): Uncertain significance. Review status: criteria provided, multiple submitters, no conflicts (2 of 4 stars). 3 submissions from 3 submitters: Uncertain significance (3). Last evaluated 2023-08-03.

Conditions:
Osteogenesis imperfecta (OI). Identifiers: Orphanet 666, MedGen C0029434, MeSH D010013, MONDO:0019019.
XYLT2-related disorder. Also called: XYLT2-related condition.

Allele frequency attached by ClinVar (database versions not stated): ExAC 0.00006; TOPMed 0.00006; gnomAD exomes 0.00007; gnomAD 0.00009.

Submissions (3):

PreventionGenetics, part of Exact Sciences
Classification: Uncertain significance for XYLT2-related condition. Last evaluated: 2023-08-03. Review status: criteria provided, single submitter. Criteria: ACMG Guidelines, 2015. Collection method: clinical testing. Allele origin: germline.
Comment: The XYLT2 c.493G>A variant is predicted to result in the amino acid substitution p.Val165Met. To our knowledge, this variant has not been reported in the literature. This variant is reported in 0.023% of alleles in individuals of Latino descent in gnomAD. At this time, the clinical significance of this variant is uncertain due to the absence of conclusive functional and genetic evidence.

Labcorp Genetics (formerly Invitae), Labcorp
Classification: Uncertain significance. Last evaluated: 2022-07-05. Review status: criteria provided, single submitter. Criteria: Invitae Variant Classification Sherloc (09022015). Collection method: clinical testing. Allele origin: germline.
Comment: This sequence change replaces valine, which is neutral and non-polar, with methionine, which is neutral and non-polar, at codon 165 of the XYLT2 protein (p.Val165Met). This variant is present in population databases (rs201070818, gnomAD 0.02%). This variant has not been reported in the literature in individuals affected with XYLT2-related conditions. ClinVar contains an entry for this variant (Variation ID: 1434260). Algorithms developed to predict the effect of missense changes on protein structure and function output the following: SIFT: "Tolerated"; PolyPhen-2: "Benign"; Align-GVGD: "Class C0". The methionine amino acid residue is found in multiple mammalian species, which suggests that this missense change does not adversely affect protein function. In summary, the available evidence is currently insufficient to determine the role of this variant in disease. Therefore, it has been classified as a Variant of Uncertain Significance.

Genome Diagnostics Laboratory, The Hospital for Sick Children
Classification: Uncertain significance for Osteogenesis imperfecta. Last evaluated: 2020-08-04. Review status: criteria provided, single submitter. Criteria: ACMG Guidelines, 2015. Collection method: clinical testing. Allele origin: germline.

NM_022167.4(XYLT2):c.493G>A (p.Val165Met)

Gene: XYLT2 (xylosyltransferase 2; plus strand). Cytogenetic location: 17q21.33.
Variant type: single nucleotide variant.
Coding change: c.493G>A on transcript NM_022167.4 (MANE Select); coding-DNA position 493, G replaced by A.
Protein change: p.Val165Met; replaces valine 165 with methionine.
Molecular consequence: missense variant.
Genome position (GRCh38, 1-based): chr17:50,353,987, G>A. VCF-style: chr17-50353987-G-A. GRCh37 (hg19) VCF-style: chr17-48431348-G-A.
Other names: short protein forms V165M.
Identifiers: ClinVar variation 1434260 (VCV001434260.6), dbSNP rs201070818, ClinGen allele CA8646177.